The following is an entry in ClinVar:

NM_024757.5(EHMT1):c.2869del (p.Leu957fs)

Gene: EHMT1 (euchromatic histone lysine methyltransferase 1; plus strand). Cytogenetic location: 9q34.3.
Variant type: Deletion.
Coding change: c.2869del on transcript NM_024757.5 (MANE Select); coding-DNA position 2869, one base deleted (C; older notation c.2869delC).
Protein change: p.Leu957fs; shifts the reading frame from leucine 957.
Molecular consequence: frameshift variant.
Genome position (GRCh38, 1-based): chr9:137,813,007, C deleted; the last of 2 consecutive C bases (chr9:137,813,006-137,813,007); deleting either gives the same sequence. VCF-style (leftmost placement, unchanged base first): chr9-137813005-GC-G. GRCh37 (hg19) VCF-style: chr9-140707457-GC-G.
Other names: c.2848del, p.Leu950fs (NM_001354263.2); c.2868del (NM_024757.5); short protein forms L950fs, L957fs.
Identifiers: ClinVar variation 4082286 (VCV004082286.1).

ClinVar aggregate classification (germline): Pathogenic (1 of 4 stars; one submission).

Conditions:
Kleefstra syndrome 1 (KLEFS1). Identifiers: Orphanet 261494, MedGen C0795833, MONDO:0027407, OMIM 610253.

Submission:

Medical Genetics Center, Maternal and Child Health Hospital of Hubei Province
Classification: Pathogenic for Kleefstra syndrome 1. Last evaluated: 2024-04-28. Review status: criteria provided, single submitter. Criteria: ACMG Guidelines, 2015. Collection method: clinical testing. Allele origin: de novo. Affected: yes.
Comment: PVS1 + PS2_Supporting + PM2_Supporting